The following is an entry in ClinVar:

NM_014874.4(MFN2):c.922G>T (p.Glu308Ter)

Gene: MFN2 (mitofusin 2; plus strand). Cytogenetic location: 1p36.22.
Variant type: single nucleotide variant.
Coding change: c.922G>T on transcript NM_014874.4 (MANE Select); coding-DNA position 922, G replaced by T.
Protein change: p.Glu308Ter; replaces glutamic acid 308 with a stop codon.
Molecular consequence: nonsense.
Genome position (GRCh38, 1-based): chr1:12,001,506, G>T. VCF-style: chr1-12001506-G-T. GRCh37 (hg19) VCF-style: chr1-12061563-G-T.
Other names: c.922G>T, p.Glu308Ter (NM_001127660.2); short protein forms E308*.
Identifiers: ClinVar variation 637744 (VCV000637744.37), dbSNP rs1553143852, ClinGen allele CA338441878.

ClinVar aggregate classification (germline): Pathogenic. Review status: criteria provided, multiple submitters, no conflicts (2 of 4 stars). 3 submissions from 3 submitters: Pathogenic (2). 1 of the submissions does not count toward it. Last evaluated 2023-06-30.

Conditions:
Charcot-Marie-Tooth disease type 2. Also called: Charcot-Marie-Tooth type 2. Identifiers: Orphanet 64746, MedGen C0270914, MONDO:0018993.
Charcot-Marie-Tooth disease. Also called: Charcot-Marie-Tooth Hereditary Neuropathy; Charcot-Marie-Tooth Neuropathy. Identifiers: Orphanet 166, MedGen C0007959, MONDO:0015626.

Allele frequency attached by ClinVar (database versions not stated): gnomAD exomes below 0.00001.

Submissions (3):

Labcorp Genetics (formerly Invitae), Labcorp
Classification: Pathogenic for Charcot-Marie-Tooth disease type 2. Last evaluated: 2023-06-30. Review status: criteria provided, single submitter. Criteria: Invitae Variant Classification Sherloc (09022015). Collection method: clinical testing. Allele origin: germline.
Comment: This sequence change creates a premature translational stop signal (p.Glu308*) in the MFN2 gene. It is expected to result in an absent or disrupted protein product. Loss-of-function variants in MFN2 are known to be pathogenic (PMID: 16714318, 16835246, 21715711, 23781337, 26955893). This variant is not present in population databases (gnomAD no frequency). This premature translational stop signal has been observed in individual(s) with Charcot-Marie-Tooth disease (PMID: 21715711). ClinVar contains an entry for this variant (Variation ID: 637744). Algorithms developed to predict the effect of sequence changes on RNA splicing suggest that this variant may create or strengthen a splice site. For these reasons, this variant has been classified as Pathogenic.

CeGaT Center for Human Genetics Tuebingen
Classification: Pathogenic. Last evaluated: 2023-03-01. Review status: criteria provided, single submitter. Criteria: CeGaT Center For Human Genetics Tuebingen Variant Classification Criteria Version 2. Collection method: clinical testing. Allele origin: germline. Affected: yes. Observed: 1 variant allele.
Comment: MFN2: PVS1, PM2

Inherited Neuropathy Consortium
Classification: Uncertain significance for Charcot-Marie-Tooth disease. Review status: no assertion criteria provided. Collection method: literature only. Allele origin: germline. Affected: yes. Not counted in ClinVar's aggregate classification.

Literature cited by the submitters: PubMed 16714318 (cited by Labcorp Genetics (formerly Invitae), Labcorp); PubMed 16835246 (cited by Labcorp Genetics (formerly Invitae), Labcorp); PubMed 21715711 (cited by Labcorp Genetics (formerly Invitae), Labcorp and Inherited Neuropathy Consortium); PubMed 23781337 (cited by Labcorp Genetics (formerly Invitae), Labcorp); PubMed 26955893 (cited by Labcorp Genetics (formerly Invitae), Labcorp).